The following is an entry in ClinVar:

NM_004484.4(GPC3):c.1103T>C (p.Ile368Thr)

Gene: GPC3 (glypican 3; minus strand). Cytogenetic location: Xq26.2.
Variant type: single nucleotide variant.
Coding change: c.1103T>C on transcript NM_004484.4 (MANE Select); coding-DNA position 1103, T replaced by C.
Protein change: p.Ile368Thr; replaces isoleucine 368 with threonine.
Molecular consequence: missense variant.
Genome position (GRCh38, 1-based): chrX:133,699,958, A>G on the plus strand (T>C on the coding strand, the complement: GPC3 is on the minus strand). VCF-style: chrX-133699958-A-G. GRCh37 (hg19) VCF-style: chrX-132833986-A-G.
Other names: c.1172T>C, p.Ile391Thr (NM_001164617.2); c.1055T>C, p.Ile352Thr (NM_001164618.2); c.941T>C, p.Ile314Thr (NM_001164619.2); short protein forms I368T, I391T, I352T, I314T.
Identifiers: ClinVar variation 569419 (VCV000569419.11), dbSNP rs1569416581, ClinGen allele CA414699777.

ClinVar aggregate classification (germline): Uncertain significance (1 of 4 stars; one submission).

Conditions:
Wilms tumor 1 (WT1). Also called: Wilms tumor, somatic. Identifiers: Orphanet 654, MedGen CN033288, MONDO:0008679, OMIM 194070.

Submission:

Labcorp Genetics (formerly Invitae), Labcorp
Classification: Uncertain significance for Wilms tumor 1. Last evaluated: 2021-06-05. Review status: criteria provided, single submitter. Criteria: Invitae Variant Classification Sherloc (09022015). Collection method: clinical testing. Allele origin: germline.
Comment: In summary, the available evidence is currently insufficient to determine the role of this variant in disease. Therefore, it has been classified as a Variant of Uncertain Significance. This sequence change replaces isoleucine with threonine at codon 368 of the GPC3 protein (p.Ile368Thr). The isoleucine residue is moderately conserved and there is a moderate physicochemical difference between isoleucine and threonine. This variant is not present in population databases (ExAC no frequency). This variant has not been reported in the literature in individuals with GPC3-related disease. Algorithms developed to predict the effect of missense changes on protein structure and function (SIFT, PolyPhen-2, Align-GVGD) all suggest that this variant is likely to be tolerated, but these predictions have not been confirmed by published functional studies and their clinical significance is uncertain.